The following is an entry in ClinVar:

NM_004006.3(DMD):c.7660+15A>G

Gene: DMD (dystrophin; minus strand). Cytogenetic location: Xp21.1.
Variant type: single nucleotide variant.
Coding change: c.7660+15A>G on transcript NM_004006.3 (MANE Select); 15 bases into the intron after coding-DNA position 7660, A replaced by G.
Molecular consequence: intron variant.
Genome position (GRCh38, 1-based): chrX:31,729,616, T>C on the plus strand (A>G on the coding strand, the complement: DMD is on the minus strand). VCF-style: chrX-31729616-T-C. GRCh37 (hg19) VCF-style: chrX-31747733-T-C.
Other names: c.7636+15A>G (NM_000109.4); c.3637+15A>G (NM_004011.4); c.3628+15A>G (NM_004012.4); c.280+15A>G (NM_004023.3, NM_004020.4, NM_004022.3 and 2 more transcripts); c.7648+15A>G (NM_004009.3); c.7291+15A>G (NM_004010.3).
Identifiers: ClinVar variation 227311 (VCV000227311.8), dbSNP rs876657452, ClinGen allele CA10577163.

ClinVar aggregate classification (germline): Likely benign. Review status: criteria provided, multiple submitters, no conflicts (2 of 4 stars). 3 submissions from 3 submitters: Likely benign (3). Last evaluated 2025-01-06.

Conditions:
Duchenne muscular dystrophy (DMD). Also called: Duchenne Muscular Dystrophy (DMD); MUSCULAR DYSTROPHY, PSEUDOHYPERTROPHIC PROGRESSIVE, DUCHENNE TYPE. Identifiers: Orphanet 98896, MedGen C0013264, MONDO:0010679, OMIM 310200.

Allele frequency attached by ClinVar (database versions not stated): TOPMed below 0.00001; gnomAD 0.00001.

Submissions (3):

Labcorp Genetics (formerly Invitae), Labcorp
Classification: Likely benign for Duchenne muscular dystrophy. Last evaluated: 2025-01-06. Review status: criteria provided, single submitter. Criteria: Invitae Variant Classification Sherloc (09022015). Collection method: clinical testing. Allele origin: germline.

Blueprint Genetics
Classification: Likely benign. Last evaluated: 2023-05-05. Review status: criteria provided, single submitter. Criteria: ACMG Guidelines, 2015. Collection method: clinical testing. Allele origin: germline.

Laboratory for Molecular Medicine, Mass General Brigham Personalized Medicine
Classification: Likely benign. Last evaluated: 2015-06-19. Review status: criteria provided, single submitter. Criteria: LMM Criteria. Collection method: clinical testing. Allele origin: germline. Observed: 1 variant allele.
Comment: c.7660+15A>G in intron 52 of DMD: This variant is not expected to have clinical significance because it is not located within the splice consensus sequence.